The following is an entry in ClinVar:

NM_144997.7(FLCN):c.525C>T (p.Ile175=)

Gene: FLCN (folliculin; minus strand). Cytogenetic location: 17p11.2.
Variant type: single nucleotide variant.
Coding change: c.525C>T on transcript NM_144997.7 (MANE Select); coding-DNA position 525, C replaced by T.
Protein change: p.Ile175=; no amino-acid change (isoleucine 175 retained).
Molecular consequence: synonymous variant.
Genome position (GRCh38, 1-based): chr17:17,224,015, G>A on the plus strand (C>T on the coding strand, the complement: FLCN is on the minus strand). VCF-style: chr17-17224015-G-A. GRCh37 (hg19) VCF-style: chr17-17127329-G-A.
Other names: c.579C>T, p.Ile193= (NM_001353229.2); c.525C>T, p.Ile175= (NM_001353230.2, NM_001353231.2, NM_144606.7).
Identifiers: ClinVar variation 3367667 (VCV003367667.3).

ClinVar aggregate classification (germline): Conflicting classifications of pathogenicity. Review status: criteria provided, conflicting classifications (1 of 4 stars). 2 submissions from 2 submitters: Uncertain significance (1); Likely benign (1). Last evaluated 2024-04-12.

Conditions:
Birt-Hogg-Dube syndrome. Also called: Birt Hogg Dubé syndrome. Identifiers: Orphanet 122, MedGen C0346010, MONDO:0800444.

Submissions (2):

Labcorp Genetics (formerly Invitae), Labcorp
Classification: Likely benign for Birt-Hogg-Dube syndrome. Last evaluated: 2024-04-12. Review status: criteria provided, single submitter. Criteria: Invitae Variant Classification Sherloc (09022015). Collection method: clinical testing. Allele origin: germline.

GeneDx
Classification: Uncertain significance. Last evaluated: 2024-01-07. Review status: criteria provided, single submitter. Criteria: GeneDx Variant Classification Process June 2021. Collection method: clinical testing. Allele origin: germline. Affected: yes.
Comment: Not observed at significant frequency in large population cohorts (gnomAD); In silico analysis supports that this variant does not alter splicing; Has not been previously published as pathogenic or benign to our knowledge